The following is an entry in ClinVar:

NM_001845.6(COL4A1):c.60G>A (p.Glu20=)

Genes: COL4A1 (collagen type IV alpha 1 chain; minus strand), COL4A2 (collagen type IV alpha 2 chain; plus strand). Cytogenetic location: 13q34.
Variant type: single nucleotide variant.
Coding change: c.60G>A on transcript NM_001845.6 (MANE Select); coding-DNA position 60, G replaced by A.
Protein change: p.Glu20=; no amino-acid change (glutamic acid 20 retained).
Molecular consequence: synonymous variant.
Genome position (GRCh38, 1-based): chr13:110,306,968, C>T on the plus strand (G>A on the coding strand, the complement: COL4A1 is on the minus strand). VCF-style: chr13-110306968-C-T. GRCh37 (hg19) VCF-style: chr13-110959315-C-T.
Other names: c.60G>A, p.Glu20= (NM_001303110.2).
Identifiers: ClinVar variation 3701223 (VCV003701223.3).

ClinVar aggregate classification (germline): Conflicting classifications of pathogenicity. Review status: criteria provided, conflicting classifications (1 of 4 stars). 2 submissions from 2 submitters: Uncertain significance (1); Likely benign (1). Last evaluated 2024-12-11.

gnomAD v4.1: 2 of 1,475,782 alleles (0.00014%); highest among the groups gnomAD compares: South Asian, 0.0013%; no homozygotes.

Submissions (2):

GeneDx
Classification: Uncertain significance. Last evaluated: 2024-12-11. Review status: criteria provided, single submitter. Criteria: GeneDx Variant Classification Process June 2021. Collection method: clinical testing. Allele origin: germline. Affected: yes.
Comment: Not observed at significant frequency in large population cohorts (gnomAD); In silico analysis indicates that this variant does not alter splicing; Has not been previously published as pathogenic or benign to our knowledge

Labcorp Genetics (formerly Invitae), Labcorp
Classification: Likely benign. Last evaluated: 2024-08-29. Review status: criteria provided, single submitter. Criteria: Invitae Variant Classification Sherloc (09022015). Collection method: clinical testing. Allele origin: germline.